The following is an entry in ClinVar:

ClinVar aggregate classification (germline): Uncertain significance (1 of 4 stars; one submission).

Submission:

CeGaT Center for Human Genetics Tuebingen
Classification: Uncertain significance. Last evaluated: 2025-12-01. Review status: criteria provided, single submitter. Criteria: CeGaT Center For Human Genetics Tuebingen Variant Classification Criteria Version 2. Collection method: clinical testing. Allele origin: germline. Affected: yes. Observed: 1 variant allele.
Comment: PDE10A: PM2, PP2

NM_001385079.1(PDE10A):c.268G>A (p.Gly90Ser)

Gene: PDE10A (phosphodiesterase 10A; minus strand). Cytogenetic location: 6q27.
Variant type: single nucleotide variant.
Coding change: c.268G>A on transcript NM_001385079.1 (MANE Select); coding-DNA position 268, G replaced by A.
Protein change: p.Gly90Ser; replaces glycine 90 with serine.
Molecular consequence: missense variant.
Genome position (GRCh38, 1-based): chr6:165,662,544, C>T on the plus strand (G>A on the coding strand, the complement: PDE10A is on the minus strand). VCF-style: chr6-165662544-C-T. GRCh37 (hg19) VCF-style: chr6-166076032-C-T.
Other names: short protein forms G90S.
Identifiers: ClinVar variation 4681817 (VCV004681817.5).